The following is an entry in ClinVar:

NM_006208.3(ENPP1):c.618G>C (p.Gly206=)

Gene: ENPP1 (ectonucleotide pyrophosphatase/phosphodiesterase 1; plus strand). Cytogenetic location: 6q23.2.
Variant type: single nucleotide variant.
Coding change: c.618G>C on transcript NM_006208.3 (MANE Select); coding-DNA position 618, G replaced by C.
Protein change: p.Gly206=; no amino-acid change (glycine 206 retained).
Molecular consequence: synonymous variant.
Genome position (GRCh38, 1-based): chr6:131,854,926, G>C. VCF-style: chr6-131854926-G-C. GRCh37 (hg19) VCF-style: chr6-132176066-G-C.
Identifiers: ClinVar variation 4730476 (VCV004730476.1).

ClinVar aggregate classification (germline): Uncertain significance (1 of 4 stars; one submission).

gnomAD v4.1: 4 of 1,610,512 alleles (0.00025%); highest among the groups gnomAD compares: Non-Finnish European, 0.00034%; no homozygotes.

Submission:

Labcorp Genetics (formerly Invitae), Labcorp
Classification: Uncertain significance. Last evaluated: 2025-11-04. Review status: criteria provided, single submitter. Criteria: Invitae Variant Classification Sherloc (09022015). Collection method: clinical testing. Allele origin: germline.
Comment: This sequence change affects codon 206 of the ENPP1 mRNA. It is a 'silent' change, meaning that it does not change the encoded amino acid sequence of the ENPP1 protein. It affects a nucleotide within the consensus splice site. This variant is present in population databases (no rsID available, gnomAD 0.0009%). This variant has not been reported in the literature in individuals affected with ENPP1-related conditions. Algorithms developed to predict the effect of sequence changes on RNA splicing suggest that this variant may disrupt the consensus splice site. In summary, the available evidence is currently insufficient to determine the role of this variant in disease. Therefore, it has been classified as a Variant of Uncertain Significance.